The following is an entry in ClinVar:

NM_003998.4(NFKB1):c.691C>T (p.Arg231Cys)

Gene: NFKB1 (nuclear factor kappa B subunit 1; plus strand). Cytogenetic location: 4q24.
Variant type: single nucleotide variant.
Coding change: c.691C>T on transcript NM_003998.4 (MANE Select); coding-DNA position 691, C replaced by T.
Protein change: p.Arg231Cys; replaces arginine 231 with cysteine.
Molecular consequence: missense variant.
Genome position (GRCh38, 1-based): chr4:102,579,000, C>T. VCF-style: chr4-102579000-C-T. GRCh37 (hg19) VCF-style: chr4-103500157-C-T.
Other names: c.688C>T, p.Arg230Cys (NM_001165412.2, NM_001319226.2, NM_001382627.1); c.691C>T, p.Arg231Cys (NM_001382625.1, NM_001382626.1); c.649C>T, p.Arg217Cys (NM_001382628.1); short protein forms R217C, R230C, R231C.
Identifiers: ClinVar variation 1917684 (VCV001917684.8), dbSNP rs558348827, ClinGen allele CA3025948.

ClinVar aggregate classification (germline): Uncertain significance. Review status: criteria provided, multiple submitters, no conflicts (2 of 4 stars). 3 submissions from 3 submitters: Uncertain significance (3). Last evaluated 2024-09-20.

Conditions:
Inborn genetic diseases. Identifiers: MedGen C0950123, MeSH D030342.

Allele frequency attached by ClinVar (database versions not stated): TOPMed below 0.00001; gnomAD 0.00002; ExAC 0.00005.
gnomAD v4.1: 31 of 1,613,950 alleles (0.0019%); highest among the groups gnomAD compares: African/African-American, 0.0027%; no homozygotes.

Submissions (4):

Blueprint Genetics
Classification: Uncertain significance. Last evaluated: 2024-09-20. Review status: criteria provided, single submitter. Criteria: ACMG Guidelines, 2015. Collection method: clinical testing. Allele origin: germline.

Labcorp Genetics (formerly Invitae), Labcorp
Classification: Uncertain significance. Last evaluated: 2023-10-14. Review status: criteria provided, single submitter. Criteria: Invitae Variant Classification Sherloc (09022015). Collection method: clinical testing. Allele origin: germline.
Comment: This sequence change replaces arginine, which is basic and polar, with cysteine, which is neutral and slightly polar, at codon 231 of the NFKB1 protein (p.Arg231Cys). This variant is present in population databases (rs558348827, gnomAD 0.02%). This missense change has been observed in individual(s) with common variable immunodeficiency (PMID: 35003082, 36105815). This variant is also known as p.R230C. ClinVar contains an entry for this variant (Variation ID: 1917684). Advanced modeling of protein sequence and biophysical properties (such as structural, functional, and spatial information, amino acid conservation, physicochemical variation, residue mobility, and thermodynamic stability) performed at Invitae indicates that this missense variant is not expected to disrupt NFKB1 protein function. Experimental studies have shown that this missense change affects NFKB1 function (PMID: 35003082). In summary, the available evidence is currently insufficient to determine the role of this variant in disease. Therefore, it has been classified as a Variant of Uncertain Significance.

Ambry Genetics
Classification: Uncertain significance for Inborn genetic diseases. Last evaluated: 2021-08-17. Review status: criteria provided, single submitter. Criteria: Ambry Variant Classification Scheme 2023. Collection method: clinical testing. Allele origin: germline.

Dr. Peter K. Rogan Lab, Western University
No classification provided (evidence only). Condition: Ovarian serous cystadenocarcinoma. Review status: no classification provided. Collection method: in vitro. Allele origin: not applicable. Functional consequence: retained intron. Not counted in ClinVar's aggregate classification.

Literature cited by the submitters: PubMed 35003082 (cited by Labcorp Genetics (formerly Invitae), Labcorp); PubMed 36105815 (cited by Labcorp Genetics (formerly Invitae), Labcorp).